The following is an entry in ClinVar:

NM_001277115.2(DNAH11):c.7299G>A (p.Trp2433Ter)

Gene: DNAH11 (dynein axonemal heavy chain 11; plus strand). Cytogenetic location: 7p15.3.
Variant type: single nucleotide variant.
Coding change: c.7299G>A on transcript NM_001277115.2 (MANE Select); coding-DNA position 7299, G replaced by A.
Protein change: p.Trp2433Ter; replaces tryptophan 2433 with a stop codon.
Molecular consequence: nonsense.
Genome position (GRCh38, 1-based): chr7:21,725,843, G>A. VCF-style: chr7-21725843-G-A. GRCh37 (hg19) VCF-style: chr7-21765461-G-A.
Other names: c.7320G>A, p.Trp2440Ter (NM_003777.3); short protein forms W2433*, W2440*.
Identifiers: ClinVar variation 2843811 (VCV002843811.3), dbSNP rs748399924, ClinGen allele CA366945534.

ClinVar aggregate classification (germline): Pathogenic (1 of 4 stars; one submission).

Conditions:
Primary ciliary dyskinesia. Also called: Ciliary dyskinesia. Identifiers: Orphanet 244, MedGen C0008780, MONDO:0016575, HP:0012265.

Submission:

Labcorp Genetics (formerly Invitae), Labcorp
Classification: Pathogenic for Primary ciliary dyskinesia. Last evaluated: 2023-08-08. Review status: criteria provided, single submitter. Criteria: Invitae Variant Classification Sherloc (09022015). Collection method: clinical testing. Allele origin: germline.
Comment: This variant has not been reported in the literature in individuals affected with DNAH11-related conditions. This sequence change creates a premature translational stop signal (p.Trp2433*) in the DNAH11 gene. It is expected to result in an absent or disrupted protein product. Loss-of-function variants in DNAH11 are known to be pathogenic (PMID: 18022865, 20513915, 22184204). This variant is not present in population databases (gnomAD no frequency). For these reasons, this variant has been classified as Pathogenic.

Literature cited by the submitters: PubMed 18022865; PubMed 20513915; PubMed 22184204.